The following is an entry in ClinVar:

NM_001318895.3(FHL2):c.72G>C (p.Glu24Asp)

Gene: FHL2 (four and a half LIM domains 2; minus strand). Cytogenetic location: 2q12.2.
Variant type: single nucleotide variant.
Coding change: c.72G>C on transcript NM_001318895.3 (MANE Select); coding-DNA position 72, G replaced by C.
Protein change: p.Glu24Asp; replaces glutamic acid 24 with aspartic acid.
Molecular consequence: missense variant. On other transcripts: 5 prime UTR variant (3).
Genome position (GRCh38, 1-based): chr2:105,386,445, C>G on the plus strand (G>C on the coding strand, the complement: FHL2 is on the minus strand). VCF-style: chr2-105386445-C-G. GRCh37 (hg19) VCF-style: chr2-106002902-C-G.
Other names: c.72G>C, p.Glu24Asp (NM_001039492.3, NM_001318894.1, NM_001318896.2 and 4 more transcripts); c.-96G>C (NM_001318897.2, NM_001318898.2); c.-375G>C (NM_001318899.2); short protein forms E24D.
Identifiers: ClinVar variation 1054453 (VCV001054453.5), dbSNP rs781170250, ClinGen allele CA1814873.
Genomic context (GRCh38, chr2:105,386,445, plus strand): 5'-CCCACACTCCTCGCAGGTGTTGGCGAACAGGGTCTCAAAGCACACCACGCAGTAGGGGCT[C>G]TCCTCCCGCAGGATGTACTTCTTGCCAAAGAGAGATTCGTTGCAATGGTGGCAGTCAAAG-3'
Protein context (NP_001305824.1, residues 14-34): LFGKKYILRE[Glu24Asp]SPYCVVCFET

ClinVar aggregate classification (germline): Uncertain significance (1 of 4 stars; one submission).

Conditions:
Primary dilated cardiomyopathy (DCM). Also called: Dilated Cardiomyopathy. Identifiers: Orphanet 217604, MedGen C0007193, MeSH D002311, MONDO:0005021, HP:0001644. Inheritance: Various modes of inheritance.

Allele frequency attached by ClinVar (database versions not stated): gnomAD exomes 0.00001; ExAC 0.00002.
gnomAD v4.1: 4 of 1,614,246 alleles (0.00025%); highest among the groups gnomAD compares: South Asian, 0.0044%; no homozygotes.

Submission:

Labcorp Genetics (formerly Invitae), Labcorp
Classification: Uncertain significance for Primary dilated cardiomyopathy. Last evaluated: 2020-06-17. Review status: criteria provided, single submitter. Criteria: Invitae Variant Classification Sherloc (09022015). Collection method: clinical testing. Allele origin: germline.
Comment: Algorithms developed to predict the effect of missense changes on protein structure and function output the following: SIFT: "Tolerated"; PolyPhen-2: "Benign"; Align-GVGD: "Class C0". The aspartic acid amino acid residue is found in multiple mammalian species, suggesting that this missense change does not adversely affect protein function. These predictions have not been confirmed by published functional studies and their clinical significance is uncertain. In summary, the available evidence is currently insufficient to determine the role of this variant in disease. Therefore, it has been classified as a Variant of Uncertain Significance. This sequence change replaces glutamic acid with aspartic acid at codon 24 of the FHL2 protein (p.Glu24Asp). The glutamic acid residue is moderately conserved and there is a small physicochemical difference between glutamic acid and aspartic acid. This variant is present in population databases (rs781170250, ExAC 0.02%). This variant has not been reported in the literature in individuals with FHL2-related conditions.